The following is an entry in ClinVar:

NM_002582.4(PARN):c.746G>C (p.Arg249Pro)

Gene: PARN (poly(A)-specific ribonuclease; minus strand). Cytogenetic location: 16p13.12.
Variant type: single nucleotide variant.
Coding change: c.746G>C on transcript NM_002582.4 (MANE Select); coding-DNA position 746, G replaced by C.
Protein change: p.Arg249Pro; replaces arginine 249 with proline.
Molecular consequence: missense variant.
Genome position (GRCh38, 1-based): chr16:14,604,183, C>G on the plus strand (G>C on the coding strand, the complement: PARN is on the minus strand). VCF-style: chr16-14604183-C-G. GRCh37 (hg19) VCF-style: chr16-14698040-C-G.
Other names: c.563G>C, p.Arg188Pro (NM_001134477.3); c.608G>C, p.Arg203Pro (NM_001242992.2); short protein forms R188P, R249P, R203P.
Identifiers: ClinVar variation 2086165 (VCV002086165.4), dbSNP rs775658912, ClinGen allele CA394807647.

ClinVar aggregate classification (germline): Uncertain significance (1 of 4 stars; one submission).

Conditions:
Dyskeratosis congenita, autosomal recessive 6 (DKCB6). Identifiers: MedGen C4225356, MONDO:0014600, OMIM 616353.
Pulmonary fibrosis and/or bone marrow failure, Telomere-related, 4. Also called: PULMONARY FIBROSIS AND/OR BONE MARROW FAILURE SYNDROME, TELOMERE-RELATED, 4. Identifiers: Orphanet 2032, MedGen C4225347, MONDO:0014612, OMIM 616371.

Submission:

Labcorp Genetics (formerly Invitae), Labcorp
Classification: Uncertain significance for Dyskeratosis congenita, autosomal recessive 6; Pulmonary fibrosis and/or bone marrow failure, Telomere-related, 4. Last evaluated: 2024-08-12. Review status: criteria provided, single submitter. Criteria: Invitae Variant Classification Sherloc (09022015). Collection method: clinical testing. Allele origin: germline.
Comment: This sequence change replaces arginine, which is basic and polar, with proline, which is neutral and non-polar, at codon 249 of the PARN protein (p.Arg249Pro). This variant is not present in population databases (gnomAD no frequency). This variant has not been reported in the literature in individuals affected with PARN-related conditions. ClinVar contains an entry for this variant (Variation ID: 2086165). Advanced modeling of protein sequence and biophysical properties (such as structural, functional, and spatial information, amino acid conservation, physicochemical variation, residue mobility, and thermodynamic stability) performed at Invitae indicates that this missense variant is not expected to disrupt PARN protein function with a negative predictive value of 80%. In summary, the available evidence is currently insufficient to determine the role of this variant in disease. Therefore, it has been classified as a Variant of Uncertain Significance.